The following is an entry in ClinVar:

NR_003051.3(RMRP):n.-29_1dup

Gene: RMRP (RNA component of mitochondrial RNA processing endoribonuclease; minus strand). Cytogenetic location: 9p13.3.
Variant type: Duplication.
Genome position: GRCh38 VCF-style: chr9-35658017-C-CCACGTCCTCAGCTTCACAGAGTAGTATTTT. GRCh37 (hg19) VCF-style: chr9-35658014-C-CCACGTCCTCAGCTTCACAGAGTAGTATTTT.
Identifiers: ClinVar variation 4719537 (VCV004719537.1).
Genomic context (GRCh38, chr9:35,658,017, plus strand): 5'-CGGAAAGGGGAGGAACAGAGTCCTCAGTGTGTAGCCTAGGATACAGGCCTTCAGCACGAA[C>CCACGTCCTCAGCTTCACAGAGTAGTATTTT]CACGTCCTCAGCTTCACAGAGTAGTATTTTATAGCCCTAAAGAAATTGTGTTTTATGATT-3'

ClinVar aggregate classification (germline): Pathogenic/Likely pathogenic. Review status: criteria provided, multiple submitters, no conflicts (2 of 4 stars). 2 submissions from 2 submitters: Pathogenic (1); Likely pathogenic (1). Last evaluated 2025-06-17.

Conditions:
Metaphyseal chondrodysplasia, McKusick type (CHH). Also called: Cartilage-hair hypoplasia; Cartilage-Hair Hypoplasia (CHH). Identifiers: Orphanet 175, MedGen C0220748, MONDO:0009595, OMIM 250250.
Anauxetic dysplasia. Identifiers: Orphanet 93347, MedGen C1846796, MONDO:0011773.

Submissions (2):

Natera, Inc.
Classification: Likely pathogenic for Cartilage-hair hypoplasia. Last evaluated: 2025-06-17. Review status: criteria provided, single submitter. Criteria: Natera Variant Classification Schema (03/2026). Collection method: clinical testing. Allele origin: germline.
Comment: The n.-29_1dup variant in RMRP is a duplication affecting the RMRP promoter region between the TATA box and the transcription initiation site. Other duplications and insertions just upstream of the transcription initiation site have been reported in individuals affected with cartilage-hair hypoplasia (PMID: 11207361, 17937437). This variant is rare in the general population with a frequency below the threshold expected for the associated phenotype(s). Given the available evidence, this variant is classified as Likely pathogenic.

Labcorp Genetics (formerly Invitae), Labcorp
Classification: Pathogenic for Anauxetic dysplasia. Last evaluated: 2025-05-13. Review status: criteria provided, single submitter. Criteria: Invitae Variant Classification Sherloc (09022015). Collection method: clinical testing. Allele origin: germline.
Comment: This variant occurs in the RMRP gene, which encodes an RNA molecule that does not result in a protein product. This variant is not present in population databases (gnomAD no frequency). While this particular variant has not been reported in the literature, it is located in the promoter region between the TATA box and the transcription initiation site, and other insertions and duplications immediately upstream of the coding sequence have been reported in individuals affected with cartilage-hair hypoplasia-anauxetic dysplasia (CHH-AD) spectrum disorders (PMID: 16244706, 11207361, 12107819). While functional studies for this variant have not been reported, experimental analyses using patient derived cells, as well as in vitro transfection studies, have shown that promoter insertions result in silencing of RMRP transcription and reduced expression of the gene product (PMID: 11207361, 16254002). For these reasons, this variant has been classified as Pathogenic.

Literature cited by the submitters: PubMed 11207361 (cited by Natera, Inc. and Labcorp Genetics (formerly Invitae), Labcorp); PubMed 17937437 (cited by Natera, Inc.); PubMed 16244706 (cited by Labcorp Genetics (formerly Invitae), Labcorp); PubMed 12107819 (cited by Labcorp Genetics (formerly Invitae), Labcorp); PubMed 16254002 (cited by Labcorp Genetics (formerly Invitae), Labcorp).